The following is an entry in ClinVar:

NM_152384.3(BBS5):c.844G>T (p.Glu282Ter)

Gene: BBS5 (Bardet-Biedl syndrome 5; plus strand). Cytogenetic location: 2q31.1.
Variant type: single nucleotide variant.
Coding change: c.844G>T on transcript NM_152384.3 (MANE Select); coding-DNA position 844, G replaced by T.
Protein change: p.Glu282Ter; replaces glutamic acid 282 with a stop codon.
Molecular consequence: nonsense.
Genome position (GRCh38, 1-based): chr2:169,503,122, G>T. VCF-style: chr2-169503122-G-T. GRCh37 (hg19) VCF-style: chr2-170359632-G-T.
Other names: short protein forms E282*.
Identifiers: ClinVar variation 1971348 (VCV001971348.5), dbSNP rs759233586, ClinGen allele CA349168666.
Genomic context (GRCh38, chr2:169,503,122, plus strand): 5'-CTCTGATGCATTTTAACATCTGCTGATTTTCAGCCCCAGCCGCTCGAAGCTCTGACAGTC[G>T]AACAAATTCAAGATGATGTAGAAATAGACTCTGATGGTCACACGGATGCTTTTGTGGTGA-3'

ClinVar aggregate classification (germline): Pathogenic (1 of 4 stars; one submission).

Conditions:
Bardet-Biedl syndrome (BBS). Identifiers: Orphanet 110, MedGen C0752166, MONDO:0015229.

gnomAD v4.1: 1 of 1,613,864 alleles (0.000062%); highest among the groups gnomAD compares: South Asian, 0.0011%; no homozygotes.

Submission:

Labcorp Genetics (formerly Invitae), Labcorp
Classification: Pathogenic for Bardet-Biedl syndrome. Last evaluated: 2024-10-25. Review status: criteria provided, single submitter. Criteria: Invitae Variant Classification Sherloc (09022015). Collection method: clinical testing. Allele origin: germline.
Comment: This sequence change creates a premature translational stop signal (p.Glu282*) in the BBS5 gene. It is expected to result in an absent or disrupted protein product. Loss-of-function variants in BBS5 are known to be pathogenic (PMID: 15137946, 16877420, 26325687, 27708425, 28041643, 29806606). This variant is not present in population databases (gnomAD no frequency). This variant has not been reported in the literature in individuals affected with BBS5-related conditions. ClinVar contains an entry for this variant (Variation ID: 1971348). For these reasons, this variant has been classified as Pathogenic.

Literature cited by the submitters: PubMed 15137946; PubMed 16877420; PubMed 26325687; PubMed 27708425; PubMed 28041643; PubMed 29806606.